The following is an entry in ClinVar:

NM_139319.3(SLC17A8):c.676+9A>G

Gene: SLC17A8 (solute carrier family 17 member 8; plus strand). Cytogenetic location: 12q23.1.
Variant type: single nucleotide variant.
Coding change: c.676+9A>G on transcript NM_139319.3 (MANE Select); 9 bases into the intron after coding-DNA position 676, A replaced by G.
Molecular consequence: intron variant.
Genome position (GRCh38, 1-based): chr12:100,396,426, A>G. VCF-style: chr12-100396426-A-G. GRCh37 (hg19) VCF-style: chr12-100790204-A-G.
Other names: c.676+9A>G (NM_001145288.2).
Identifiers: ClinVar variation 2017134 (VCV002017134.4), dbSNP rs1037725494, ClinGen allele CA242338936.

ClinVar aggregate classification (germline): Uncertain significance (1 of 4 stars; one submission).

Allele frequency attached by ClinVar (database versions not stated): gnomAD 0.00001; gnomAD exomes below 0.00001; TOPMed 0.00001.
gnomAD v4.1: 2 of 1,611,312 alleles (0.00012%); highest among the groups gnomAD compares: Non-Finnish European, 0.00017%; no homozygotes.

Submission:

Labcorp Genetics (formerly Invitae), Labcorp
Classification: Uncertain significance. Last evaluated: 2025-12-08. Review status: criteria provided, single submitter. Criteria: Invitae Variant Classification Sherloc (09022015). Collection method: clinical testing. Allele origin: germline.
Comment: This sequence change falls in intron 5 of the SLC17A8 gene. It does not directly change the encoded amino acid sequence of the SLC17A8 protein. This variant is not present in population databases (gnomAD no frequency). This variant has not been reported in the literature in individuals affected with SLC17A8-related conditions. ClinVar contains an entry for this variant (Variation ID: 2017134). Algorithms developed to predict the effect of sequence changes on RNA splicing suggest that this variant may create or strengthen a splice site. In summary, the available evidence is currently insufficient to determine the role of this variant in disease. Therefore, it has been classified as a Variant of Uncertain Significance.